The following is an entry in ClinVar:

ClinVar aggregate classification (germline): Pathogenic (1 of 4 stars; one submission).

Conditions:
Mitochondrial complex I deficiency, nuclear type 1. Also called: NADH-COENZYME Q REDUCTASE DEFICIENCY; MITOCHONDRIAL NADH DEHYDROGENASE COMPONENT OF COMPLEX I, DEFICIENCY OF. Identifiers: MedGen C6022305, MONDO:0100224, OMIM 252010.

Submission:

Myriad Genetics, Inc.
Classification: Pathogenic for Mitochondrial complex I deficiency, nuclear type 1. Last evaluated: 2024-05-14. Review status: criteria provided, single submitter. Criteria: Myriad Autosomal Dominant, Autosomal Recessive and X-Linked Classification Criteria (2023). Collection method: clinical testing. Allele origin: unknown.
Comment: NM_002495.2(NDUFS4):c.291G>A(W97*) is expected to be pathogenic in the context of mitochondrial complex I deficiency, NDUFS4-related. This variant is predicted to lead to an abnormal or absent protein product due to the creation of a premature termination codon in NDUFS4, a gene where loss-of-function variants are known to be pathogenic. Please note: this variant was assessed in the context of healthy population screening.

NM_002495.4(NDUFS4):c.291G>A (p.Trp97Ter)

Gene: NDUFS4 (NADH:ubiquinone oxidoreductase subunit S4; plus strand). Cytogenetic location: 5q11.2.
Variant type: single nucleotide variant.
Coding change: c.291G>A on transcript NM_002495.4 (MANE Select); coding-DNA position 291, G replaced by A.
Protein change: p.Trp97Ter; replaces tryptophan 97 with a stop codon.
Molecular consequence: nonsense. On other transcripts: non-coding transcript variant (3).
Genome position (GRCh38, 1-based): chr5:53,646,346, G>A. VCF-style: chr5-53646346-G-A. GRCh37 (hg19) VCF-style: chr5-52942176-G-A.
Other names: c.291G>A, p.Trp97Ter (NM_001318051.2); short protein forms W97*.
Identifiers: ClinVar variation 5010512 (VCV005010512.1).